The following is an entry in ClinVar:

NM_000202.8(IDS):c.1202_1203del (p.Val401fs)

Gene: IDS (iduronate 2-sulfatase; minus strand). Cytogenetic location: Xq28.
Variant type: Microsatellite.
Coding change: c.1202_1203del on transcript NM_000202.8 (MANE Select); coding-DNA positions 1202 to 1203, 2 bases deleted (TG; older notation c.1202_1203delTG).
Protein change: p.Val401fs; shifts the reading frame from valine 401.
Molecular consequence: frameshift variant.
Genome position (GRCh38, 1-based): chrX:149,483,196-149,483,197, CA deleted on the plus strand (TG on the coding strand, the reverse complement: IDS is on the minus strand); deleting any 2 consecutive bases within chrX:149,483,196-149,483,199 gives the same sequence; the c. name uses the placement nearest the transcript's 3' end. VCF-style (leftmost placement, unchanged base first): chrX-149483195-CCA-C. GRCh37 (hg19) VCF-style: chrX-148564726-CCA-C.
Other names: c.932_933del, p.Val311fs (NM_001166550.4); short protein forms V311fs, V401fs.
Identifiers: ClinVar variation 3255988 (VCV003255988.2).
Genomic context (GRCh38, chrX:149,483,195, plus strand): 5'-AGCGAGGTGGAACCTGCAGTCCTGCAAGTCCAGCCAGCGTGGGAAAAAGAGACACAAGTT[CCA>C]CAAGGTCCATGGATTGCCTGCCTGAAACAGGAAGCGACAGAGCAGAATGGGTTACATTAT-3'

ClinVar aggregate classification (germline): Likely pathogenic (1 of 4 stars; one submission).

Conditions:
Mucopolysaccharidosis, MPS-II (MPS2). Also called: Hunter Syndrome; IDURONATE 2-SULFATASE DEFICIENCY; Mucopolysaccharidosis Type II; Mucopolysaccharidosis type 2; Attenuated MPS (subtype; formerly known as mild MPS II); Severe MPS II. Identifiers: Orphanet 580, Orphanet 79388, MedGen C0026705, MONDO:0010674, OMIM 309900.

Submission:

Laboratory of Diagnosis and Therapy of Lysosomal Disorders, University of Padova
Classification: Likely pathogenic for Mucopolysaccharidosis, MPS-II. Last evaluated: 2024-06-07. Review status: criteria provided, single submitter. Criteria: ACMG Guidelines, 2015. Collection method: literature only. Allele origin: germline. Affected: yes. Observed: 1 variant allele.
Comment: Null variant (PVS1_Strong), Absent from controls (or at low frequency) in gnomAD database (PM2_Moderate), Patient’s phenotype or family history highly specific for the disease (PP4_Moderate)

Classification method: ACMG Guidelines [PMID:25741868] with modifications

Literature cited by the submitters: PubMed 16133661.